The following is an entry in ClinVar:

ClinVar aggregate classification (germline): Conflicting classifications of pathogenicity. Review status: criteria provided, conflicting classifications (1 of 4 stars). 2 submissions from 2 submitters: Uncertain significance (1); Benign (1). Last evaluated 2025-01-08.

Conditions:
Intellectual developmental disorder, autosomal dominant 1. Also called: Intellectual disability, autosomal dominant 1; MBD5 Haploinsufficiency. Identifiers: Orphanet 228402, MedGen C1969562, MONDO:0007974, OMIM 156200.

Allele frequency attached by ClinVar (database versions not stated): 1000 Genomes Project 0.00020; gnomAD exomes below 0.00001; ExAC 0.00001; gnomAD 0.00001; 1000 Genomes Project 30x 0.00016.
gnomAD v4.1: 9 of 1,613,918 alleles (0.00056%); highest among the groups gnomAD compares: Admixed American, 0.0017%; no homozygotes.

Submissions (2):

Labcorp Genetics (formerly Invitae), Labcorp
Classification: Benign for Intellectual developmental disorder, autosomal dominant 1. Last evaluated: 2025-01-08. Review status: criteria provided, single submitter. Criteria: Invitae Variant Classification Sherloc (09022015). Collection method: clinical testing. Allele origin: germline.

GeneDx
Classification: Uncertain significance. Last evaluated: 2014-03-05. Review status: criteria provided, single submitter. Criteria: GeneDx Variant Classification (06012015). Collection method: clinical testing. Allele origin: germline. Affected: yes.
Comment: p.Ala655Thr (GCA>ACA): c.1963 G>A in exon 9 of the MBD5 gene (NM_018328.4) The A655T variant in the MBD5 gene has been reported previously in an individual with intellectual disability only and was inherited from an unaffected parent (Wagenstaller et al., 2007). It was not observed in approximately 6,500 individuals of European and African American ancestry in the NHLBI Exome Sequencing Project, indicating it is not a common benign variant in these populations. The A655T variant is a non-conservative amino acid substitution, which is likely to impact secondary protein structure as these residues differ in polarity, charge, size and/or other properties. However, this substitution occurs at a position that is not conserved across species and in silico analysis predicts this variant likely does not alter the protein structure/function. Therefore, based on the currently available information, it is unclear whether this variant is a pathogenic mutation or a rare benign variant. The variant is found in EPILEPSY panel(s).

NM_001378120.1(MBD5):c.1963G>A (p.Ala655Thr)

Gene: MBD5 (methyl-CpG binding domain protein 5; plus strand). Cytogenetic location: 2q23.1.
Variant type: single nucleotide variant.
Coding change: c.1963G>A on transcript NM_001378120.1 (MANE Select); coding-DNA position 1963, G replaced by A.
Protein change: p.Ala655Thr; replaces alanine 655 with threonine.
Molecular consequence: missense variant.
Genome position (GRCh38, 1-based): chr2:148,469,906, G>A. VCF-style: chr2-148469906-G-A. GRCh37 (hg19) VCF-style: chr2-149227475-G-A.
Other names: p.A655T:GCA>ACA; c.1963G>A, p.Ala655Thr (NM_018328.5); short protein forms A655T.
Identifiers: ClinVar variation 206076 (VCV000206076.10), dbSNP rs576930680, ClinGen allele CA315808.